The following is an entry in ClinVar:

NM_017947.4(MOCOS):c.2052T>G (p.Tyr684Ter)

Gene: MOCOS (molybdenum cofactor sulfurase; plus strand). Cytogenetic location: 18q12.2.
Variant type: single nucleotide variant.
Coding change: c.2052T>G on transcript NM_017947.4 (MANE Select); coding-DNA position 2052, T replaced by G.
Protein change: p.Tyr684Ter; replaces tyrosine 684 with a stop codon.
Molecular consequence: nonsense.
Genome position (GRCh38, 1-based): chr18:36,251,171, T>G. VCF-style: chr18-36251171-T-G. GRCh37 (hg19) VCF-style: chr18-33831134-T-G.
Other names: short protein forms Y684*.
Identifiers: ClinVar variation 4845684 (VCV004845684.1).
Genomic context (GRCh38, chr18:36,251,171, plus strand): 5'-AAATAAATACTATGTAACAGTTCACTCTTTCTCTCTCTCTTTTGCCAGAGTAAGTACTTA[T>G]GATTGTGGAGAAAAAATTTCAAGCTGGTTGTCAACATTTTTTGGCCGTCCTTGTCATTTG-3'

ClinVar aggregate classification (germline): Likely pathogenic (1 of 4 stars; one submission).

Conditions:
Xanthinuria type II. Also called: Xanthine dehydrogenase and aldehyde oxidase combined deficiency of; XDH and AOX dual deficiency. Identifiers: Orphanet 3467, Orphanet 93602, MedGen C1863688, MONDO:0011346, OMIM 603592.

gnomAD v4.1: 8 of 1,613,176 alleles (0.0005%); highest among the groups gnomAD compares: Middle Eastern, 0.016%; no homozygotes.

Submission:

First Genomix Gene Laboratory, Genetic Diagnostics Department
Classification: Likely pathogenic for Xanthinuria type II. Last evaluated: 2025-01-28. Review status: criteria provided, single submitter. Criteria: ACMG Guidelines, 2015. Collection method: clinical testing. Allele origin: germline. Inheritance: Autosomal recessive inheritance. Affected: no. Observed: 1 variant allele.